The following is an entry in ClinVar:

ClinVar aggregate classification (germline): Likely pathogenic (1 of 4 stars; one submission).

Allele frequency attached by ClinVar (database versions not stated): gnomAD exomes below 0.00001 and 0.00001; gnomAD 0.00001; TOPMed 0.00001.
gnomAD v4.1: 14 of 1,614,086 alleles (0.00087%); highest among the groups gnomAD compares: Non-Finnish European, 0.0012%; no homozygotes.

Submission:

GeneDx
Classification: Likely pathogenic. Last evaluated: 2021-03-12. Review status: criteria provided, single submitter. Criteria: GeneDx Variant Classification Process June 2021. Collection method: clinical testing. Allele origin: germline. Affected: yes.
Comment: Nonsense variant predicted to result in protein truncation or nonsense mediated decay in a gene for which loss-of-function is a known mechanism of disease; Not observed at a significant frequency in large population cohorts (Lek et al., 2016); Has not been previously published as pathogenic or benign to our knowledge

NM_005422.4(TECTA):c.4601G>A (p.Trp1534Ter)

Genes: TBCEL-TECTA (TBCEL-TECTA readthrough; plus strand), TECTA (tectorin alpha; plus strand). Cytogenetic location: 11q23.3.
Variant type: single nucleotide variant.
Coding change: c.4601G>A on transcript NM_005422.4 (MANE Select); coding-DNA position 4601, G replaced by A.
Protein change: p.Trp1534Ter; replaces tryptophan 1534 with a stop codon.
Molecular consequence: nonsense.
Genome position (GRCh38, 1-based): chr11:121,158,136, G>A. VCF-style: chr11-121158136-G-A. GRCh37 (hg19) VCF-style: chr11-121028845-G-A.
Other names: c.5558G>A, p.Trp1853Ter (NM_001378761.1); short protein forms W1534*, W1853*.
Identifiers: ClinVar variation 620360 (VCV000620360.2), dbSNP rs768993431, ClinGen allele CA229844419.